The following is an entry in ClinVar:

ClinVar aggregate classification (germline): Likely benign. Review status: criteria provided, multiple submitters, no conflicts (2 of 4 stars). 2 submissions from 2 submitters: Likely benign (2). Last evaluated 2025-11-27.

Conditions:
BAP1-related tumor predisposition syndrome (TPDS1). Also called: Tumor susceptibility linked to germline BAP1 mutations; COMMON Syndrome; TUMOR PREDISPOSITION SYNDROME 1; BAP1 tumor predisposition syndrome. Identifiers: Orphanet 289539, MedGen C3280492, MONDO:0013692, OMIM 614327.

Submissions (2):

Labcorp Genetics (formerly Invitae), Labcorp
Classification: Likely benign for BAP1-related tumor predisposition syndrome. Last evaluated: 2025-11-27. Review status: criteria provided, single submitter. Criteria: Invitae Variant Classification Sherloc (09022015). Collection method: clinical testing. Allele origin: germline.

Myriad Genetics, Inc.
Classification: Likely benign for BAP1-related tumor predisposition syndrome. Last evaluated: 2024-07-17. Review status: criteria provided, single submitter. Criteria: Myriad Autosomal Dominant, Autosomal Recessive and X-Linked Classification Criteria (2023). Collection method: clinical testing. Allele origin: unknown.
Comment: This variant is considered likely benign. This variant is intronic and is not expected to impact mRNA splicing.

NM_004656.4(BAP1):c.1890+9C>G

Gene: BAP1 (BRCA1 associated deubiquitinase 1; minus strand). Cytogenetic location: 3p21.1.
Variant type: single nucleotide variant.
Coding change: c.1890+9C>G on transcript NM_004656.4 (MANE Select); 9 bases into the intron after coding-DNA position 1890, C replaced by G.
Molecular consequence: intron variant.
Genome position (GRCh38, 1-based): chr3:52,403,129, G>C on the plus strand (C>G on the coding strand, the complement: BAP1 is on the minus strand). VCF-style: chr3-52403129-G-C. GRCh37 (hg19) VCF-style: chr3-52437145-G-C.
Identifiers: ClinVar variation 472684 (VCV000472684.9), dbSNP rs1553644699, ClinGen allele CA658657306.